The following is an entry in ClinVar:

ClinVar aggregate classification (germline): Pathogenic (1 of 4 stars; one submission).

Conditions:
Neurofibromatosis, type 1 (NF1). Also called: VON RECKLINGHAUSEN DISEASE; NEUROFIBROMATOSIS, TYPE I, SOMATIC; Peripheral type neurofibromatosis; Neurofibromatosis, type I. Identifiers: Orphanet 636, MedGen C0027831, MONDO:0018975, OMIM 162200. Disease mechanism: loss of function.

Submission:

Labcorp Genetics (formerly Invitae), Labcorp
Classification: Pathogenic for Neurofibromatosis, type 1. Last evaluated: 2024-09-25. Review status: criteria provided, single submitter. Criteria: Invitae Variant Classification Sherloc (09022015). Collection method: clinical testing. Allele origin: germline.
Comment: This sequence change creates a premature translational stop signal (p.Glu1549*) in the NF1 gene. It is expected to result in an absent or disrupted protein product. Loss-of-function variants in NF1 are known to be pathogenic (PMID: 10712197, 23913538). This variant is not present in population databases (gnomAD no frequency). This variant has not been reported in the literature in individuals affected with NF1-related conditions. Algorithms developed to predict the effect of sequence changes on RNA splicing suggest that this variant may disrupt the consensus splice site. For these reasons, this variant has been classified as Pathogenic.

Literature cited by the submitters: PubMed 10712197; PubMed 23913538.

NM_001042492.3(NF1):c.4708G>T (p.Glu1570Ter)

Gene: NF1 (neurofibromin 1; plus strand). Cytogenetic location: 17q11.2.
Variant type: single nucleotide variant.
Coding change: c.4708G>T on transcript NM_001042492.3 (MANE Select); coding-DNA position 4708, G replaced by T.
Protein change: p.Glu1570Ter; replaces glutamic acid 1570 with a stop codon.
Molecular consequence: nonsense.
Genome position (GRCh38, 1-based): chr17:31,261,841, G>T. VCF-style: chr17-31261841-G-T. GRCh37 (hg19) VCF-style: chr17-29588859-G-T.
Other names: c.4645G>T, p.Glu1549Ter (NM_000267.4); short protein forms E1570*, E1549*.
Identifiers: ClinVar variation 3721507 (VCV003721507.2).